The following is an entry in ClinVar:

NM_006231.4(POLE):c.5348A>T (p.Asp1783Val)

Gene: POLE (DNA polymerase epsilon, catalytic subunit; minus strand). Cytogenetic location: 12q24.33.
Variant type: single nucleotide variant.
Coding change: c.5348A>T on transcript NM_006231.4 (MANE Select); coding-DNA position 5348, A replaced by T.
Protein change: p.Asp1783Val; replaces aspartic acid 1783 with valine.
Molecular consequence: missense variant.
Genome position (GRCh38, 1-based): chr12:132,641,677, T>A on the plus strand (A>T on the coding strand, the complement: POLE is on the minus strand). VCF-style: chr12-132641677-T-A. GRCh37 (hg19) VCF-style: chr12-133218263-T-A.
Other names: c.5348A>T (NM_006231.2); short protein forms D1783V.
Identifiers: ClinVar variation 1442569 (VCV001442569.7), dbSNP rs2138523312, ClinGen allele CA387375786.

ClinVar aggregate classification (germline): Uncertain significance. Review status: criteria provided, multiple submitters, no conflicts (2 of 4 stars). 2 submissions from 2 submitters: Uncertain significance (2). Last evaluated 2025-11-25.

Conditions:
Hereditary cancer-predisposing syndrome. Also called: Tumor predisposition; Hereditary Cancer Syndrome; Hereditary neoplastic syndrome; Neoplastic Syndromes, Hereditary. Identifiers: Orphanet 140162, MedGen C0027672, MeSH D009386, MONDO:0015356.

Submissions (2):

Ambry Genetics
Classification: Uncertain significance for Hereditary cancer-predisposing syndrome. Last evaluated: 2025-11-25. Review status: criteria provided, single submitter. Criteria: Ambry Variant Classification Scheme 2023. Collection method: clinical testing. Allele origin: germline.
Comment: The p.D1783V variant (also known as c.5348A>T), located in coding exon 39 of the POLE gene, results from an A to T substitution at nucleotide position 5348. The aspartic acid at codon 1783 is replaced by valine, an amino acid with highly dissimilar properties. This amino acid position is conserved. In addition, this alteration is predicted to be deleterious by in silico analysis. Based on the available evidence, the clinical significance of this variant remains unclear.

Labcorp Genetics (formerly Invitae), Labcorp
Classification: Uncertain significance. Last evaluated: 2021-11-17. Review status: criteria provided, single submitter. Criteria: Invitae Variant Classification Sherloc (09022015). Collection method: clinical testing. Allele origin: germline.
Comment: In summary, the available evidence is currently insufficient to determine the role of this variant in disease. Therefore, it has been classified as a Variant of Uncertain Significance. Algorithms developed to predict the effect of missense changes on protein structure and function are either unavailable or do not agree on the potential impact of this missense change (SIFT: "Tolerated"; PolyPhen-2: "Probably Damaging"; Align-GVGD: "Class C0"). This variant has not been reported in the literature in individuals affected with POLE-related conditions. This variant is not present in population databases (gnomAD no frequency). This sequence change replaces aspartic acid, which is acidic and polar, with valine, which is neutral and non-polar, at codon 1783 of the POLE protein (p.Asp1783Val).